The following is an entry in ClinVar:

NM_021942.6(TRAPPC11):c.2666A>C (p.Asp889Ala)

Gene: TRAPPC11 (trafficking protein particle complex subunit 11; plus strand). Cytogenetic location: 4q35.1.
Variant type: single nucleotide variant.
Coding change: c.2666A>C on transcript NM_021942.6 (MANE Select); coding-DNA position 2666, A replaced by C.
Protein change: p.Asp889Ala; replaces aspartic acid 889 with alanine.
Molecular consequence: missense variant.
Genome position (GRCh38, 1-based): chr4:183,697,540, A>C. VCF-style: chr4-183697540-A-C. GRCh37 (hg19) VCF-style: chr4-184618693-A-C.
Other names: c.2666A>C, p.Asp889Ala (NM_199053.3); short protein forms D889A.
Identifiers: ClinVar variation 2365279 (VCV002365279.3), dbSNP rs1311201552, ClinGen allele CA358872651.
Genomic context (GRCh38, chr4:183,697,540, plus strand): 5'-GTGCCCTTTACATTTTCTTGCAGGATGAAACTGTAACAATTGAAACAGTCTTTCCATTTG[A>C]TGTTGCGGTTAAATTTGTTTCTACCAAGGTATGTTTCTTTGAGGCATACTAGAAATCATT-3'
Protein context (NP_068761.4, residues 879-899): TVTIETVFPF[Asp889Ala]VAVKFVSTKF

ClinVar aggregate classification (germline): Uncertain significance. Review status: criteria provided, multiple submitters, no conflicts (2 of 4 stars). 2 submissions from 2 submitters: Uncertain significance (2). Last evaluated 2025-12-11.

Conditions:
Inborn genetic diseases. Identifiers: MedGen C0950123, MeSH D030342.
Autosomal recessive limb-girdle muscular dystrophy type R18 (LGMDR18). Also called: Limb-girdle muscular dystrophy, type 2S; MUSCULAR DYSTROPHY, LIMB-GIRDLE, AUTOSOMAL RECESSIVE 18; Autosomal recessive limb-girdle muscular dystrophy type 2S. Identifiers: Orphanet 369840, MedGen C4517996, MONDO:0014144, OMIM 615356.

Allele frequency attached by ClinVar (database versions not stated): TOPMed below 0.00001; gnomAD exomes 0.00001.
gnomAD v4.1: 8 of 1,604,886 alleles (0.0005%); highest among the groups gnomAD compares: Admixed American, 0.0035%; no homozygotes.

Submissions (2):

Labcorp Genetics (formerly Invitae), Labcorp
Classification: Uncertain significance for Autosomal recessive limb-girdle muscular dystrophy type R18. Last evaluated: 2025-12-11. Review status: criteria provided, single submitter. Criteria: Invitae Variant Classification Sherloc (09022015). Collection method: clinical testing. Allele origin: germline.
Comment: This sequence change replaces aspartic acid, which is acidic and polar, with alanine, which is neutral and non-polar, at codon 889 of the TRAPPC11 protein (p.Asp889Ala). This variant is present in population databases (no rsID available, gnomAD 0.003%). This variant has not been reported in the literature in individuals affected with TRAPPC11-related conditions. ClinVar contains an entry for this variant (Variation ID: 2365279). Invitae Evidence Modeling of protein sequence and biophysical properties (such as structural, functional, and spatial information, amino acid conservation, physicochemical variation, residue mobility, and thermodynamic stability) indicates that this missense variant is not expected to disrupt TRAPPC11 protein function with a negative predictive value of 80%. In summary, the available evidence is currently insufficient to determine the role of this variant in disease. Therefore, it has been classified as a Variant of Uncertain Significance.

Ambry Genetics
Classification: Uncertain significance for Inborn genetic diseases. Last evaluated: 2021-04-22. Review status: criteria provided, single submitter. Criteria: Ambry Variant Classification Scheme 2023. Collection method: clinical testing. Allele origin: germline.